The following is an entry in ClinVar:

ClinVar aggregate classification (germline): Pathogenic (1 of 4 stars; one submission).

Submission:

Labcorp Genetics (formerly Invitae), Labcorp
Classification: Pathogenic. Last evaluated: 2023-08-20. Review status: criteria provided, single submitter. Criteria: Invitae Variant Classification Sherloc (09022015). Collection method: clinical testing. Allele origin: germline.
Comment: For these reasons, this variant has been classified as Pathogenic. This variant has not been reported in the literature in individuals affected with SLC39A4-related conditions. This variant is not present in population databases (gnomAD no frequency). This sequence change creates a premature translational stop signal (p.Ala551Valfs*12) in the SLC39A4 gene. It is expected to result in an absent or disrupted protein product. Loss-of-function variants in SLC39A4 are known to be pathogenic (PMID: 12955721).

Literature cited by the submitters: PubMed 12955721.

NM_130849.4(SLC39A4):c.1651_1652insTG (p.Ala551fs)

Gene: SLC39A4 (solute carrier family 39 member 4; minus strand). Cytogenetic location: 8q24.3.
Variant type: Insertion.
Coding change: c.1651_1652insTG on transcript NM_130849.4 (MANE Select); coding-DNA positions 1651 to 1652, TG inserted.
Protein change: p.Ala551fs; shifts the reading frame from alanine 551.
Molecular consequence: frameshift variant.
Genome position: GRCh38 VCF-style: chr8-144412922-G-GCA. GRCh37 (hg19) VCF-style: chr8-145638306-G-GCA.
Other names: c.1576_1577insTG, p.Ala526fs (NM_017767.3); c.157_158insTG, p.Ala53fs (NM_001280557.2); c.1369_1370insTG, p.Ala457fs (NM_001374839.1); short protein forms A526fs, A53fs, A457fs, A551fs.
Identifiers: ClinVar variation 2754181 (VCV002754181.3), dbSNP rs2528532731, ClinGen allele CA2697550206.